The following is an entry in ClinVar:

NM_003922.4(HERC1):c.445C>T (p.Arg149Cys)

Gene: HERC1 (HECT and RLD domain containing E3 ubiquitin protein ligase family member 1; minus strand). Cytogenetic location: 15q22.31.
Variant type: single nucleotide variant.
Coding change: c.445C>T on transcript NM_003922.4 (MANE Select); coding-DNA position 445, C replaced by T.
Protein change: p.Arg149Cys; replaces arginine 149 with cysteine.
Molecular consequence: missense variant.
Genome position (GRCh38, 1-based): chr15:63,775,179, G>A on the plus strand (C>T on the coding strand, the complement: HERC1 is on the minus strand). VCF-style: chr15-63775179-G-A. GRCh37 (hg19) VCF-style: chr15-64067378-G-A.
Other names: short protein forms R149C.
Identifiers: ClinVar variation 4740707 (VCV004740707.1).

ClinVar aggregate classification (germline): Uncertain significance (1 of 4 stars; one submission).

gnomAD v4.1: 15 of 1,613,862 alleles (0.00093%); highest among the groups gnomAD compares: East Asian, 0.0022%; no homozygotes.

Submission:

Labcorp Genetics (formerly Invitae), Labcorp
Classification: Uncertain significance. Last evaluated: 2025-10-22. Review status: criteria provided, single submitter. Criteria: Invitae Variant Classification Sherloc (09022015). Collection method: clinical testing. Allele origin: germline.
Comment: This sequence change replaces arginine, which is basic and polar, with cysteine, which is neutral and slightly polar, at codon 149 of the HERC1 protein (p.Arg149Cys). This variant is present in population databases (no rsID available, gnomAD 0.002%). This variant has not been reported in the literature in individuals affected with HERC1-related conditions. Invitae Evidence Modeling of protein sequence and biophysical properties (such as structural, functional, and spatial information, amino acid conservation, physicochemical variation, residue mobility, and thermodynamic stability) indicates that this missense variant is not expected to disrupt HERC1 protein function with a negative predictive value of 80%. In summary, the available evidence is currently insufficient to determine the role of this variant in disease. Therefore, it has been classified as a Variant of Uncertain Significance.